The following is an entry in ClinVar:

ClinVar aggregate classification (germline): Pathogenic (1 of 4 stars; one submission).

Submission:

Labcorp Genetics (formerly Invitae), Labcorp
Classification: Pathogenic. Last evaluated: 2023-01-18. Review status: criteria provided, single submitter. Criteria: Invitae Variant Classification Sherloc (09022015). Collection method: clinical testing. Allele origin: germline.
Comment: For these reasons, this variant has been classified as Pathogenic. This premature translational stop signal has been observed in individuals with Dent disease (PMID: 24081861, 27117801). This variant is not present in population databases (gnomAD no frequency). This sequence change creates a premature translational stop signal (p.Gln629*) in the CLCN5 gene. It is expected to result in an absent or disrupted protein product. Loss-of-function variants in CLCN5 are known to be pathogenic (PMID: 22876375, 25907713).

Literature cited by the submitters: PubMed 24081861; PubMed 27117801; PubMed 22876375; PubMed 25907713.

NM_001127898.4(CLCN5):c.2095C>T (p.Gln699Ter)

Genes: CLCN5 (chloride voltage-gated channel 5; plus strand), LOC126863258 (BRD4-independent group 4 enhancer GRCh37_chrX:49854497-49855696; plus strand). Cytogenetic location: Xp11.23.
Variant type: single nucleotide variant.
Coding change: c.2095C>T on transcript NM_001127898.4 (MANE Select); coding-DNA position 2095, C replaced by T.
Protein change: p.Gln699Ter; replaces glutamine 699 with a stop codon.
Molecular consequence: nonsense.
Genome position (GRCh38, 1-based): chrX:50,090,466, C>T. VCF-style: chrX-50090466-C-T. GRCh37 (hg19) VCF-style: chrX-49855123-C-T.
Other names: c.1885C>T, p.Gln629Ter (NM_000084.5); c.2095C>T, p.Gln699Ter (NM_001127899.4); c.1945C>T, p.Gln649Ter (NM_001282163.2); short protein forms Q699*, Q629*, Q649*.
Identifiers: ClinVar variation 2737231 (VCV002737231.3), dbSNP rs2519445657, ClinGen allele CA413190259.